The following is an entry in ClinVar:

ClinVar aggregate classification (germline): Uncertain significance (1 of 4 stars; one submission).

Submission:

Labcorp Genetics (formerly Invitae), Labcorp
Classification: Uncertain significance. Last evaluated: 2025-02-06. Review status: criteria provided, single submitter. Criteria: Invitae Variant Classification Sherloc (09022015). Collection method: clinical testing. Allele origin: germline.
Comment: This variant, c.998_1009del, results in the deletion of 4 amino acid(s) of the TCIRG1 protein (p.Gln333_Leu336del), but otherwise preserves the integrity of the reading frame. This variant is not present in population databases (gnomAD no frequency). This variant has not been reported in the literature in individuals affected with TCIRG1-related conditions. Experimental studies and prediction algorithms are not available or were not evaluated, and the functional significance of this variant is currently unknown. In summary, the available evidence is currently insufficient to determine the role of this variant in disease. Therefore, it has been classified as a Variant of Uncertain Significance.

NM_006019.4(TCIRG1):c.998_1009del (p.Gln333_Leu336del)

Gene: TCIRG1 (T cell immune regulator 1, ATPase H+ transporting V0 subunit a3; plus strand). Cytogenetic location: 11q13.2.
Variant type: Deletion.
Coding change: c.998_1009del on transcript NM_006019.4 (MANE Select); coding-DNA positions 998 to 1009, 12 bases deleted (AGGAGGCCCTGC).
Protein change: p.Gln333_Leu336del.
Molecular consequence: inframe deletion. On other transcripts: intron variant (4).
Genome position (GRCh38, 1-based): chr11:68,044,322-68,044,333, AGGAGGCCCTGC deleted; deleting any 12 consecutive bases within chr11:68,044,315-68,044,333 gives the same sequence; the c. name uses the placement nearest the transcript's 3' end. VCF-style (leftmost placement, unchanged base first): chr11-68044314-CGCCCTGCAGGAG-C. GRCh37 (hg19) VCF-style: chr11-67811781-CGCCCTGCAGGAG-C.
Other names: c.104_115del, p.Gln35_Leu38del (NM_001351059.2); c.998_1009del, p.Gln333_Leu336del (NM_001440552.1, NM_001440553.1, NM_001440554.1 and 2 more transcripts); c.956_967del, p.Gln319_Leu322del (NM_001440555.1, NM_001440556.1, NM_001440563.1); c.785_796del, p.Gln262_Leu265del (NM_001440561.1, NM_001440562.1, NM_001440566.1 and 1 more transcripts); c.743_754del, p.Gln248_Leu251del (NM_001440564.1); c.698_709del, p.Gln233_Leu236del (NM_001440565.1); c.350_361del, p.Gln117_Leu120del (NM_006053.4); c.807+415_807+426del (NM_001440559.1, NM_001440560.1); and 2 more.
Identifiers: ClinVar variation 4693068 (VCV004693068.1).
Genomic context (GRCh38, chr11:68,044,314, plus strand): 5'-CGTGAGCACCACGCACAAGTGCCTCATTGCCGAGGCCTGGTGCTCTGTGCGAGACCTGCC[CGCCCTGCAGGAG>C]GCCCTGCGGGACAGCTCGGTGAGCAGCCTGAGGCCTCGCCCCCTCTCCGCCCGCCCCTCC-3'